The following is an entry in ClinVar:

ClinVar aggregate classification (germline): Uncertain significance (1 of 4 stars; one submission).

Submission:

Labcorp Genetics (formerly Invitae), Labcorp
Classification: Uncertain significance. Last evaluated: 2021-07-01. Review status: criteria provided, single submitter. Criteria: Invitae Variant Classification Sherloc (09022015). Collection method: clinical testing. Allele origin: germline.
Comment: This sequence change replaces alanine with valine at codon 183 of the PRDM5 protein (p.Ala183Val). The alanine residue is moderately conserved and there is a small physicochemical difference between alanine and valine. This variant is not present in population databases (ExAC no frequency). This variant has not been reported in the literature in individuals affected with PRDM5-related conditions. Algorithms developed to predict the effect of missense changes on protein structure and function are either unavailable or do not agree on the potential impact of this missense change (SIFT: "Deleterious"; PolyPhen-2: "Benign"; Align-GVGD: "Class C0"). In summary, the available evidence is currently insufficient to determine the role of this variant in disease. Therefore, it has been classified as a Variant of Uncertain Significance.

NM_018699.4(PRDM5):c.548C>T (p.Ala183Val)

Gene: PRDM5 (PR/SET domain 5; minus strand). Cytogenetic location: 4q27.
Variant type: single nucleotide variant.
Coding change: c.548C>T on transcript NM_018699.4 (MANE Select); coding-DNA position 548, C replaced by T.
Protein change: p.Ala183Val; replaces alanine 183 with valine.
Molecular consequence: missense variant.
Genome position (GRCh38, 1-based): chr4:120,818,455, G>A on the plus strand (C>T on the coding strand, the complement: PRDM5 is on the minus strand). VCF-style: chr4-120818455-G-A. GRCh37 (hg19) VCF-style: chr4-121739610-G-A.
Other names: c.548C>T, p.Ala183Val (NM_001300823.2, NM_001300824.2, NM_001379104.1 and 1 more transcripts); short protein forms A183V.
Identifiers: ClinVar variation 1502770 (VCV001502770.8), dbSNP rs2149341852, ClinGen allele CA358208112.